The following is an entry in ClinVar:

ClinVar aggregate classification (germline): Conflicting classifications of pathogenicity. Review status: criteria provided, conflicting classifications (1 of 4 stars). 6 submissions from 6 submitters: Likely pathogenic (2); Uncertain significance (4). Last evaluated 2025-10-08.
ClinVar aggregate classification (oncogenicity): Uncertain significance (1 of 4 stars; one submission).

Conditions:
Hereditary cancer-predisposing syndrome. Also called: Hereditary Cancer Syndrome; Neoplastic Syndromes, Hereditary; Tumor predisposition; Hereditary neoplastic syndrome. Identifiers: Orphanet 140162, MedGen C0027672, MeSH D009386, MONDO:0015356.
Familial cancer of breast. Also called: hereditary breast carcinoma; Hereditary breast cancer; BREAST CANCER, FAMILIAL. Identifiers: Orphanet 227535, MedGen C0346153, MONDO:0016419, OMIM 114480. Disease mechanism: loss of function.
Fanconi anemia complementation group J. Also called: BRIP1-Related Fanconi Anemia. Identifiers: Orphanet 84, MedGen C1836860, MONDO:0012187, OMIM 609054.
Neoplasm. Also called: tumor; Neoplasms; Neoplasm (disease). Identifiers: MedGen C0027651, MeSH D009369, MONDO:0005070, HP:0002664.

Allele frequency attached by ClinVar (database versions not stated): gnomAD exomes 0.00001 and below 0.00001; ExAC 0.00002.
gnomAD v4.1: 4 of 1,612,972 alleles (0.00025%); highest among the groups gnomAD compares: Admixed American, 0.0017%; no homozygotes.

Submissions (9):

Center for Genomic Medicine, Rigshospitalet, Copenhagen University Hospital
Classification: Uncertain significance for Neoplasm. Last evaluated: 2025-12-29. Review status: criteria provided, single submitter. Criteria: ClinGen/CGC/VICC Guidelines for Oncogenicity, 2022. Collection method: clinical testing. Allele origin: somatic. Affected: yes.

Dasa
Classification: Uncertain significance. Last evaluated: 2025-10-08. Review status: criteria provided, single submitter. Criteria: DASA Assertion Criteria. Collection method: clinical testing. Allele origin: germline.
Comment: NM_032043.3(BRIP1):c.2906-1G>A affects a canonical splice site and is predicted to disrupt normal RNA splicing. This variant is rare in population databases. The currently available literature and clinical evidence are not sufficient to establish a definitive association between this variant and the reported condition. Therefore, this variant is classified as a variant of uncertain significance.

Labcorp Genetics (formerly Invitae), Labcorp
Classification: Uncertain significance for Familial cancer of breast; Fanconi anemia complementation group J. Last evaluated: 2025-10-06. Review status: criteria provided, single submitter. Criteria: Invitae Variant Classification Sherloc (09022015). Collection method: clinical testing. Allele origin: germline.
Comment: This sequence change affects an acceptor splice site in intron 19 of the BRIP1 gene. While this variant is not anticipated to result in nonsense mediated decay, it likely alters RNA splicing and results in a disrupted protein product. This variant is present in population databases (rs773639563, gnomAD 0.003%). Disruption of this splice site has been observed in individual(s) with thyroid carcinoma (PMID: 29625052). ClinVar contains an entry for this variant (Variation ID: 803448). Variants that disrupt the consensus splice site are a relatively common cause of aberrant splicing (PMID: 17576681, 9536098). Studies have shown that disruption of this splice site is associated with inconclusive levels of altered splicing (internal data). In summary, the available evidence is currently insufficient to determine the role of this variant in disease. Therefore, it has been classified as a Variant of Uncertain Significance.

Ambry Genetics
Classification: Uncertain significance for Hereditary cancer-predisposing syndrome. Last evaluated: 2024-04-18. Review status: criteria provided, single submitter. Criteria: Ambry Variant Classification Scheme 2023. Collection method: clinical testing. Allele origin: germline.
Comment: The c.2906-1G>A intronic variant results from a G to A substitution one nucleotide upstream from coding exon 19 of the BRIP1 gene. In silico splice site analysis predicts that this alteration will weaken the native splice acceptor site and may result in the creation or strengthening of a novel splice acceptor site; however, direct evidence is insufficient at this time (Ambry internal data). The resulting transcript is predicted to be in-frame and is not expected to trigger nonsense-mediated mRNA decay; however, direct evidence is unavailable. The exact functional effect of the altered amino acid sequence is unknown. This nucleotide position is highly conserved in available vertebrate species. Based on the available evidence, the clinical significance of this variant remains unclear.

GeneDx
Classification: Uncertain significance. Last evaluated: 2024-01-23. Review status: criteria provided, single submitter. Criteria: GeneDx Variant Classification Process June 2021. Collection method: clinical testing. Allele origin: germline. Affected: yes.
Comment: Canonical splice site variant with an unclear effect on protein function; Not observed at significant frequency in large population cohorts (gnomAD); This variant is associated with the following publications: (PMID: 29625052, 29922827, 36451132)

Mendelics
Classification: Likely pathogenic for Familial cancer of breast. Last evaluated: 2019-05-28. Review status: criteria provided, single submitter. Criteria: Mendelics Assertion Criteria 2017. Collection method: clinical testing. Allele origin: unknown.

Color Diagnostics, LLC DBA Color Health
Classification: Likely pathogenic for Hereditary cancer-predisposing syndrome. Last evaluated: 2019-05-09. Review status: criteria provided, single submitter. Criteria: ACMG Guidelines, 2015. Collection method: clinical testing. Allele origin: germline.

Dr. Peter K. Rogan Lab, Western University
No classification provided (evidence only). Condition: Thyroid cancer, nonmedullary, 1. Review status: no classification provided. Collection method: in vitro. Allele origin: not applicable. Functional consequence: retained intron. Not counted in ClinVar's aggregate classification.

Dr. Peter K. Rogan Lab, Western University
No classification provided (evidence only). Condition: Thyroid cancer, nonmedullary, 1. Review status: no classification provided. Collection method: in vitro. Allele origin: not applicable. Functional consequence: retained intron. Not counted in ClinVar's aggregate classification.

Literature cited by the submitters: PubMed 29625052 (cited by Labcorp Genetics (formerly Invitae), Labcorp); PubMed 17576681 (cited by Labcorp Genetics (formerly Invitae), Labcorp); PubMed 9536098 (cited by Labcorp Genetics (formerly Invitae), Labcorp).

NM_032043.3(BRIP1):c.2906-1G>A

Gene: BRIP1 (BRCA1 interacting DNA helicase 1; minus strand). Cytogenetic location: 17q23.2.
Variant type: single nucleotide variant.
Coding change: c.2906-1G>A on transcript NM_032043.3 (MANE Select); the canonical splice acceptor site of the intron before coding-DNA position 2906, G replaced by A.
Molecular consequence: splice acceptor variant.
Genome position (GRCh38, 1-based): chr17:61,684,141, C>T on the plus strand (G>A on the coding strand, the complement: BRIP1 is on the minus strand). VCF-style: chr17-61684141-C-T. GRCh37 (hg19) VCF-style: chr17-59761502-C-T.
Identifiers: ClinVar variation 803448 (VCV000803448.16), dbSNP rs773639563, ClinGen allele CA8690423.